The following is an entry in ClinVar:

NM_000330.4(RS1):c.410T>C (p.Leu137Pro)

Genes: CDKL5 (cyclin dependent kinase like 5; plus strand), RS1 (retinoschisin 1; minus strand). Cytogenetic location: Xp22.13.
Variant type: single nucleotide variant.
Coding change: c.410T>C on transcript NM_000330.4 (MANE Select); coding-DNA position 410, T replaced by C.
Protein change: p.Leu137Pro; replaces leucine 137 with proline.
Molecular consequence: missense variant. On other transcripts: intron variant (2).
Genome position (GRCh38, 1-based): chrX:18,644,542, A>G on the plus strand (T>C on the coding strand, the complement: RS1 is on the minus strand). VCF-style: chrX-18644542-A-G. GRCh37 (hg19) VCF-style: chrX-18662662-A-G.
Other names: c.2714-1465A>G (NM_003159.3, NM_001037343.2); short protein forms L137P.
Identifiers: ClinVar variation 3249818 (VCV003249818.2).

ClinVar aggregate classification (germline): Conflicting classifications of pathogenicity. Review status: criteria provided, conflicting classifications (1 of 4 stars). 2 submissions from 2 submitters: Likely pathogenic (1); Uncertain significance (1). Last evaluated 2023-12-19.

Conditions:
Juvenile retinoschisis (RS1). Also called: X-linked retinoschisis; X-Linked Juvenile Retinoschisis. Identifiers: Orphanet 792, MedGen C3714753, MONDO:0010725, OMIM 312700.
Retinal dystrophy. Also called: Inherited retinal dystrophy. Identifiers: Orphanet 71862, MedGen C0854723, MeSH D058499, MONDO:0019118, HP:0000556.

Submissions (2):

3billion
Classification: Uncertain significance for Juvenile retinoschisis. Last evaluated: 2023-12-19. Review status: criteria provided, single submitter. Criteria: ACMG Guidelines, 2015. Collection method: clinical testing. Allele origin: germline. Affected: yes.
Comment: The variant is not observed in the gnomAD v2.1.1 dataset. Predicted Consequence/Location: Missense variant In silico tool predictions suggest damaging effect of the variant on gene or gene product [REVEL: 0.96 (>=0.6, sensitivity 0.68 and specificity 0.92); 3Cnet: 0.99 (>=0.6, sensitivity 0.72 and precision 0.9)]. A different missense change at the same codon (p.Leu137Phe) has been reported to be associated with RS1 related disorder (ClinVar ID: VCV001023915 /PMID: 32646553). However the evidence of pathogenicity is insufficient at this time. Therefore, this variant is classified as VUS according to the recommendation of ACMG/AMP guideline.

Institute of Human Genetics, Univ. Regensburg, Univ. Regensburg
Classification: Likely pathogenic for Retinal dystrophy. Last evaluated: 2015-01-01. Review status: criteria provided, single submitter. Criteria: ACMG Guidelines, 2015. Collection method: clinical testing. Allele origin: germline. Affected: yes.

Literature cited by the submitters: PubMed 32646553 (cited by 3billion); PubMed 35119454 (cited by Institute of Human Genetics, Univ. Regensburg, Univ. Regensburg).